The following is an entry in ClinVar:

ClinVar aggregate classification (germline): Uncertain significance. Review status: criteria provided, multiple submitters, no conflicts (2 of 4 stars). 2 submissions from 2 submitters: Uncertain significance (2). Last evaluated 2022-04-22.

Allele frequency attached by ClinVar (database versions not stated): TOPMed below 0.00001; gnomAD exomes 0.00001; ExAC 0.00003.
gnomAD v4.1: 5 of 1,580,058 alleles (0.00032%); highest among the groups gnomAD compares: Admixed American, 0.0077%; no homozygotes.

Submissions (2):

Labcorp Genetics (formerly Invitae), Labcorp
Classification: Uncertain significance. Last evaluated: 2022-04-22. Review status: criteria provided, single submitter. Criteria: Invitae Variant Classification Sherloc (09022015). Collection method: clinical testing. Allele origin: germline.
Comment: This sequence change replaces aspartic acid, which is acidic and polar, with glycine, which is neutral and non-polar, at codon 150 of the CWC27 protein (p.Asp150Gly). The frequency data for this variant in the population databases is considered unreliable, as metrics indicate poor data quality at this position in the gnomAD database. This variant has not been reported in the literature in individuals affected with CWC27-related conditions. ClinVar contains an entry for this variant (Variation ID: 935919). Algorithms developed to predict the effect of missense changes on protein structure and function output the following: SIFT: "Tolerated"; PolyPhen-2: "Benign"; Align-GVGD: "Class C0". The glycine amino acid residue is found in multiple mammalian species, which suggests that this missense change does not adversely affect protein function. Algorithms developed to predict the effect of sequence changes on RNA splicing suggest that this variant may create or strengthen a splice site. In summary, the available evidence is currently insufficient to determine the role of this variant in disease. Therefore, it has been classified as a Variant of Uncertain Significance.

Blueprint Genetics
Classification: Uncertain significance. Last evaluated: 2021-10-12. Review status: criteria provided, single submitter. Criteria: ACMG Guidelines, 2015. Collection method: clinical testing. Allele origin: germline.

NM_005869.4(CWC27):c.449A>G (p.Asp150Gly)

Gene: CWC27 (CWC27 spliceosome associated cyclophilin; plus strand). Cytogenetic location: 5q12.3.
Variant type: single nucleotide variant.
Coding change: c.449A>G on transcript NM_005869.4 (MANE Select); coding-DNA position 449, A replaced by G.
Protein change: p.Asp150Gly; replaces aspartic acid 150 with glycine.
Molecular consequence: missense variant.
Genome position (GRCh38, 1-based): chr5:64,785,533, A>G. VCF-style: chr5-64785533-A-G. GRCh37 (hg19) VCF-style: chr5-64081360-A-G.
Other names: c.449A>G, p.Asp150Gly (NM_001297644.1, NM_001297645.2, NM_001318000.2 and 1 more transcripts); short protein forms D150G.
Identifiers: ClinVar variation 935919 (VCV000935919.8), dbSNP rs764172645, ClinGen allele CA3281952.